The following is an entry in ClinVar:

NM_000875.5(IGF1R):c.2755C>A (p.Pro919Thr)

Gene: IGF1R (insulin like growth factor 1 receptor; plus strand). Cytogenetic location: 15q26.3.
Variant type: single nucleotide variant.
Coding change: c.2755C>A on transcript NM_000875.5 (MANE Select); coding-DNA position 2755, C replaced by A.
Protein change: p.Pro919Thr; replaces proline 919 with threonine.
Molecular consequence: missense variant.
Genome position (GRCh38, 1-based): chr15:98,924,657, C>A. VCF-style: chr15-98924657-C-A. GRCh37 (hg19) VCF-style: chr15-99467886-C-A.
Other names: c.2755C>A, p.Pro919Thr (NM_001291858.2); short protein forms P919T.
Identifiers: ClinVar variation 4808665 (VCV004808665.1).
Genomic context (GRCh38, chr15:98,924,657, plus strand): 5'-GGGAACTACACAGCCCGGATTCAGGCCACATCTCTCTCTGGGAATGGGTCGTGGACAGAT[C>A]CTGTGTTCTTCTATGTCCAGGCCAAAAGTAAGGCTTGTGGAGGGAGAAGAAACGTGGTAA-3'
Protein context (NP_000866.1, residues 909-929): SLSGNGSWTD[Pro919Thr]VFFYVQAKTG

ClinVar aggregate classification (germline): Uncertain significance (1 of 4 stars; one submission).

gnomAD v4.1: 1 of 1,614,148 alleles (0.000062%); highest among the groups gnomAD compares: Non-Finnish European, 0.000085%; no homozygotes.

Submission:

Labcorp Genetics (formerly Invitae), Labcorp
Classification: Uncertain significance. Last evaluated: 2025-04-21. Review status: criteria provided, single submitter. Criteria: Invitae Variant Classification Sherloc (09022015). Collection method: clinical testing. Allele origin: germline.
Comment: This sequence change replaces proline, which is neutral and non-polar, with threonine, which is neutral and polar, at codon 919 of the IGF1R protein (p.Pro919Thr). This variant is not present in population databases (gnomAD no frequency). This variant has not been reported in the literature in individuals affected with IGF1R-related conditions. Invitae Evidence Modeling of protein sequence and biophysical properties (such as structural, functional, and spatial information, amino acid conservation, physicochemical variation, residue mobility, and thermodynamic stability) indicates that this missense variant is not expected to disrupt IGF1R protein function with a negative predictive value of 80%. In summary, the available evidence is currently insufficient to determine the role of this variant in disease. Therefore, it has been classified as a Variant of Uncertain Significance.